The following is an entry in ClinVar:

NM_182914.3(SYNE2):c.13015G>A (p.Glu4339Lys)

Gene: SYNE2 (spectrin repeat containing nuclear envelope protein 2; plus strand). Cytogenetic location: 14q23.2.
Variant type: single nucleotide variant.
Coding change: c.13015G>A on transcript NM_182914.3 (MANE Select); coding-DNA position 13015, G replaced by A.
Protein change: p.Glu4339Lys; replaces glutamic acid 4339 with lysine.
Molecular consequence: missense variant.
Genome position (GRCh38, 1-based): chr14:64,119,601, G>A. VCF-style: chr14-64119601-G-A. GRCh37 (hg19) VCF-style: chr14-64586319-G-A.
Other names: c.13015G>A, p.Glu4339Lys (NM_015180.6); short protein forms E4339K.
Identifiers: ClinVar variation 1998978 (VCV001998978.4), dbSNP rs1307396820, ClinGen allele CA389961503.

ClinVar aggregate classification (germline): Uncertain significance (1 of 4 stars; one submission).

Conditions:
Emery-Dreifuss muscular dystrophy 5, autosomal dominant (EDMD5). Also called: EMERY-DREIFUSS MUSCULAR DYSTROPHY 5. Identifiers: Orphanet 261, MedGen C2751805, MONDO:0013072, OMIM 612999.

Allele frequency attached by ClinVar (database versions not stated): gnomAD exomes below 0.00001; gnomAD 0.00001; TOPMed 0.00001.
gnomAD v4.1: 5 of 1,614,012 alleles (0.00031%); highest among the groups gnomAD compares: African/African-American, 0.0053%; no homozygotes.

Submission:

Labcorp Genetics (formerly Invitae), Labcorp
Classification: Uncertain significance for Emery-Dreifuss muscular dystrophy 5, autosomal dominant. Last evaluated: 2022-10-13. Review status: criteria provided, single submitter. Criteria: Invitae Variant Classification Sherloc (09022015). Collection method: clinical testing. Allele origin: germline.
Comment: In summary, the available evidence is currently insufficient to determine the role of this variant in disease. Therefore, it has been classified as a Variant of Uncertain Significance. Algorithms developed to predict the effect of missense changes on protein structure and function are either unavailable or do not agree on the potential impact of this missense change (SIFT: "Tolerated"; PolyPhen-2: "Possibly Damaging"; Align-GVGD: "Class C0"). This variant has not been reported in the literature in individuals affected with SYNE2-related conditions. This variant is present in population databases (no rsID available, gnomAD 0.01%). This sequence change replaces glutamic acid, which is acidic and polar, with lysine, which is basic and polar, at codon 4339 of the SYNE2 protein (p.Glu4339Lys).